The following is an entry in ClinVar:

NM_000157.4(GBA1):c.145G>A (p.Gly49Ser)

Genes: GBA1 (glucosylceramidase beta 1; minus strand), LOC106627981 (GBA recombination region; plus strand). Cytogenetic location: 1q22.
Variant type: single nucleotide variant.
Coding change: c.145G>A on transcript NM_000157.4 (MANE Select); coding-DNA position 145, G replaced by A.
Protein change: p.Gly49Ser; replaces glycine 49 with serine.
Molecular consequence: missense variant. On other transcripts: 5 prime UTR variant (1).
Genome position (GRCh38, 1-based): chr1:155,240,048, C>T on the plus strand (G>A on the coding strand, the complement: GBA1 is on the minus strand). VCF-style: chr1-155240048-C-T. GRCh37 (hg19) VCF-style: chr1-155209839-C-T.
Other names: c.145G>A, p.Gly49Ser (NM_001005741.3, NM_001005742.3, NM_001171812.2); c.-117G>A (NM_001171811.2); short protein forms G49S.
Identifiers: ClinVar variation 1028106 (VCV001028106.5), dbSNP rs760930573, ClinGen allele CA1141828.

ClinVar aggregate classification (germline): Uncertain significance. Review status: criteria provided, multiple submitters, no conflicts (2 of 4 stars). 3 submissions from 3 submitters: Uncertain significance (3). Last evaluated 2024-04-04.

Conditions:
Gaucher disease perinatal lethal. Also called: Gaucher disease collodion type; Gaucher Disease, Perinatal-Lethal Form. Identifiers: Orphanet 85212, MedGen C1842704, MONDO:0011945, OMIM 608013.

Allele frequency attached by ClinVar (database versions not stated): gnomAD 0.00001; gnomAD exomes 0.00001; ExAC 0.00002; TOPMed 0.00002.
gnomAD v4.1: 17 of 1,613,606 alleles (0.0011%); highest among the groups gnomAD compares: South Asian, 0.0022%; no homozygotes.

Submissions (3):

Genomic Medicine Center of Excellence, King Faisal Specialist Hospital and Research Centre
Classification: Uncertain significance. Last evaluated: 2024-04-04. Review status: criteria provided, single submitter. Criteria: ACMG Guidelines, 2015. Collection method: clinical testing. Allele origin: germline.

Revvity Omics, Revvity
Classification: Uncertain significance. Last evaluated: 2021-07-02. Review status: criteria provided, single submitter. Criteria: ACMG Guidelines, 2015. Collection method: clinical testing. Allele origin: germline.

Baylor Genetics
Classification: Uncertain significance for Gaucher disease perinatal lethal. Last evaluated: 2020-08-01. Review status: criteria provided, single submitter. Criteria: ACMG Guidelines, 2015. Collection method: clinical testing. Allele origin: unknown. Affected: yes.
Comment: This variant was determined to be of uncertain significance according to ACMG Guidelines, 2015 [PMID:25741868].